The following is an entry in ClinVar:

ClinVar aggregate classification (germline): Conflicting classifications of pathogenicity. Review status: criteria provided, conflicting classifications (1 of 4 stars). 3 submissions from 3 submitters: Likely pathogenic (1); Uncertain significance (1). 1 of the submissions does not count toward it. Last evaluated 2025-05-08.

Conditions:
Catecholaminergic polymorphic ventricular tachycardia 1. Also called: VENTRICULAR TACHYCARDIA, CATECHOLAMINERGIC POLYMORPHIC, 1, WITH OR WITHOUT ATRIAL DYSFUNCTION AND/OR DILATED CARDIOMYOPATHY; RYR2-Related Catecholaminergic Polymorphic Ventricular Tachycardia; VENTRICULAR TACHYCARDIA, STRESS-INDUCED POLYMORPHIC 1. Identifiers: Orphanet 3286, MedGen C1631597, MONDO:0011484, OMIM 604772.
Arrhythmogenic right ventricular dysplasia 2. Identifiers: MedGen C1832931.
Catecholaminergic polymorphic ventricular tachycardia (CVPT). Also called: Catecholamine-induced polymorphic ventricular tachycardia. Identifiers: Orphanet 3286, MedGen C5574922, MONDO:0017990.

Submissions (3):

KardioGenetik, Herz- und Diabeteszentrum NRW
Classification: Likely pathogenic for Catecholaminergic polymorphic ventricular tachycardia 1. Last evaluated: 2025-05-08. Review status: criteria provided, single submitter. Criteria: ACMG Guidelines, 2015. Collection method: clinical testing. Allele origin: unknown. Affected: yes. Observed: 1 variant allele.
Comment: Support for the pathogenicity of the variant comes from (1) its detection in patients with CPVT (PMID 31112425, PMID 32152366), (2) its absence in the general population cohorts included in the gnomAD database, (3) its location within the transmembrane domain of the protein, a region frequently affected by pathogenic variants (PMID 35892340), and (4) in silico predictions classifying the variant as deleterious.

Labcorp Genetics (formerly Invitae), Labcorp
Classification: Uncertain significance for Catecholaminergic polymorphic ventricular tachycardia. Last evaluated: 2019-11-18. Review status: criteria provided, single submitter. Criteria: Invitae Variant Classification Sherloc (09022015). Collection method: clinical testing. Allele origin: germline.
Comment: This sequence change replaces tyrosine with histidine at codon 4721 of the RYR2 protein (p.Tyr4721His). The tyrosine residue is highly conserved and there is a moderate physicochemical difference between tyrosine and histidine. This variant is not present in population databases (ExAC no frequency). This variant has been observed in individual(s) with catecholaminergic polymorphic ventricular tachycardia (Invitae). Algorithms developed to predict the effect of missense changes on protein structure and function are either unavailable or do not agree on the potential impact of this missense change (SIFT: "Deleterious"; PolyPhen-2: "Probably Damaging"; Align-GVGD: "Class C0"). In summary, the available evidence is currently insufficient to determine the role of this variant in disease. Therefore, it has been classified as a Variant of Uncertain Significance.

Equipe Genetique des Anomalies du Developpement, Université de Bourgogne
Classification: Likely pathogenic for Catecholaminergic polymorphic ventricular tachycardia 1. Last evaluated: 2020-08-04. Review status: no assertion criteria provided. Collection method: clinical testing. Allele origin: de novo. Affected: yes. Not counted in ClinVar's aggregate classification.

Literature cited by the submitters: PubMed 31112425 (cited by KardioGenetik, Herz- und Diabeteszentrum NRW); PubMed 32152366 (cited by KardioGenetik, Herz- und Diabeteszentrum NRW).

NM_001035.3(RYR2):c.14161T>C (p.Tyr4721His)

Gene: RYR2 (ryanodine receptor 2; plus strand). Cytogenetic location: 1q43.
Variant type: single nucleotide variant.
Coding change: c.14161T>C on transcript NM_001035.3 (MANE Select); coding-DNA position 14161, T replaced by C.
Protein change: p.Tyr4721His; replaces tyrosine 4721 with histidine.
Molecular consequence: missense variant.
Genome position (GRCh38, 1-based): chr1:237,806,146, T>C. VCF-style: chr1-237806146-T-C. GRCh37 (hg19) VCF-style: chr1-237969446-T-C.
Other names: short protein forms Y4721H.
Identifiers: ClinVar variation 970017 (VCV000970017.4), dbSNP rs1660612706, ClinGen allele CA345422601.